The following is an entry in ClinVar:

ClinVar aggregate classification (germline): Uncertain significance. Review status: criteria provided, multiple submitters, no conflicts (2 of 4 stars). 5 submissions from 5 submitters: Uncertain significance (5). Last evaluated 2025-12-30.

Conditions:
Inborn genetic diseases. Identifiers: MedGen C0950123, MeSH D030342.

Allele frequency attached by ClinVar (database versions not stated): ExAC 0.00003; gnomAD 0.00003; gnomAD exomes 0.00004 and 0.00008; TOPMed 0.00006.
gnomAD v4.1: 121 of 1,613,822 alleles (0.0075%); highest among the groups gnomAD compares: Non-Finnish European, 0.01%; no homozygotes.

Submissions (5):

GeneDx
Classification: Uncertain significance. Last evaluated: 2025-12-30. Review status: criteria provided, single submitter. Criteria: GeneDx Variant Classification Process June 2021. Collection method: clinical testing. Allele origin: germline. Affected: yes.
Comment: In silico analysis supports that this missense variant has a deleterious effect on protein structure/function; Has not been previously published as pathogenic or benign to our knowledge

Labcorp Genetics (formerly Invitae), Labcorp
Classification: Uncertain significance. Last evaluated: 2025-12-19. Review status: criteria provided, single submitter. Criteria: Invitae Variant Classification Sherloc (09022015). Collection method: clinical testing. Allele origin: germline.
Comment: This sequence change replaces glycine, which is neutral and non-polar, with glutamic acid, which is acidic and polar, at codon 832 of the COL11A2 protein (p.Gly832Glu). This variant is present in population databases (rs750006299, gnomAD 0.009%). This variant has not been reported in the literature in individuals affected with COL11A2-related conditions. ClinVar contains an entry for this variant (Variation ID: 505130). Invitae Evidence Modeling of protein sequence and biophysical properties (such as structural, functional, and spatial information, amino acid conservation, physicochemical variation, residue mobility, and thermodynamic stability) indicates that this missense variant is expected to disrupt COL11A2 protein function with a positive predictive value of 95%. In summary, the available evidence is currently insufficient to determine the role of this variant in disease. Therefore, it has been classified as a Variant of Uncertain Significance.

CeGaT Center for Human Genetics Tuebingen
Classification: Uncertain significance. Last evaluated: 2022-11-01. Review status: criteria provided, single submitter. Criteria: CeGaT Center For Human Genetics Tuebingen Variant Classification Criteria Version 2. Collection method: clinical testing. Allele origin: germline. Affected: yes. Observed: 1 variant allele.
Comment: COL11A2: PP3

Laboratory for Molecular Medicine, Mass General Brigham Personalized Medicine
Classification: Uncertain significance. Last evaluated: 2019-04-12. Review status: criteria provided, single submitter. Criteria: ACMG Guidelines, 2015. Collection method: clinical testing. Allele origin: germline.
Comment: It has also been identified in 0.007% (9/112770) of European chromosomes by gnomAD. Computational prediction tools and conservation analyses suggest that this variant may impact the protein, and missense variants affecting a glycine in the Gly-X-Y motif, like this variant, are more likely to be pathogenic than other changes; however, this information is not predictive enough to determine pathogenicity. In summary, the clinical significance of the p.Gly832Glu variant is uncertain. ACMG/AMP criteria applied: PP3, PM1.

Ambry Genetics
Classification: Uncertain significance for Inborn genetic diseases. Last evaluated: 2014-10-02. Review status: criteria provided, single submitter. Criteria: Ambry Variant Classification Scheme 2023. Collection method: clinical testing. Allele origin: germline.
Comment: The c.2495G>A (p.G832E) alteration is located in CDS 33 (c.2485_2529) of the COL11A2 gene. The alteration consists of a G to A substitution at nucleotide position 2495, resulting in an amino acid substitution of Glutamic acid (E) for Glycine (G) at amino acid position 832. The alteration is not observed in healthy cohorts:_x000D_ Based on data from the NHLBI Exome Sequencing Project (ESP), the COL11A2 c.2495G>A alteration was not observed among 4,277 individuals tested. Allele frequency data for this nucleotide position are not currently available from the 1000 Genomes Project and the alteration is not currently listed in the Database of Single Nucleotide Polymorphisms (dbSNP). Though some variants may appear to be rare due to database-specific ethnic underrepresentation, rare missense alleles commonly exhibit a deleterious effect on protein function (Kryukov, 2007; Tennessen, 2012). IF USED, PULL THESE INTO REFERENCES:_x000D_ Kryukov GV, et al. (2007) Am J Hum Genet 80:727-739. Tennessen JA, et al. (2012) Science 337(64):64-69. The altered nucleotide is conserved throughout evolution:_x000D_ The c.2495G nucleotide is completely conserved in available vertebrate species._x000D_ The altered amino acid is conserved throughout evolution:_x000D_ The p.G832 amino acid is completely conserved in available vertebrate species. The alteration is predicted deleterious by in silico models:_x000D_ The p.G832E alteration is predicted to be probably damaging by Polyphen and deleterious by SIFT in silico analyses._x000D_ The alteration is predicted not to affect splicing by in silico models:_x000D_ Based on BDGP and ESEfinder splice site in silico tools, this alteration does not have any significant effect on the native acceptor/donor splice site; however, direct evidence is unavailable Based on insufficient or conflicting evidence, the clinical significance of this alteration remains unclear.

NM_080680.3(COL11A2):c.2495G>A (p.Gly832Glu)

Gene: COL11A2 (collagen type XI alpha 2 chain; minus strand). Cytogenetic location: 6p21.32.
Variant type: single nucleotide variant.
Coding change: c.2495G>A on transcript NM_080680.3 (MANE Select); coding-DNA position 2495, G replaced by A.
Protein change: p.Gly832Glu; replaces glycine 832 with glutamic acid.
Molecular consequence: missense variant.
Genome position (GRCh38, 1-based): chr6:33,174,045, C>T on the plus strand (G>A on the coding strand, the complement: COL11A2 is on the minus strand). VCF-style: chr6-33174045-C-T. GRCh37 (hg19) VCF-style: chr6-33141822-C-T.
Other names: c.2174G>A, p.Gly725Glu (NM_080679.3); c.2237G>A, p.Gly746Glu (NM_080681.3); short protein forms G832E, G725E, G746E.
Identifiers: ClinVar variation 505130 (VCV000505130.40), dbSNP rs750006299, ClinGen allele CA3750870.